The following is an entry in ClinVar:

ClinVar aggregate classification (germline): Uncertain significance (1 of 4 stars; one submission).

Conditions:
Clark-Baraitser syndrome. Also called: Intellectual disability, autosomal dominant 49; MENTAL RETARDATION, AUTOSOMAL DOMINANT 49; BARAITSER SYNDROME; Mental retardation, tall stature, obesity, macrocephaly and typical facial features. Identifiers: Orphanet 600731, MedGen C2931130, MONDO:0030914, OMIM 617752.

Submission:

Laboratorio de Genetica e Diagnostico Molecular, Hospital Israelita Albert Einstein
Classification: Uncertain significance for Clark-Baraitser syndrome. Last evaluated: 2025-04-04. Review status: criteria provided, single submitter. Criteria: ACMG Guidelines, 2015. Collection method: clinical testing. Allele origin: germline. Affected: yes.
Comment: ACMG classification criteria: PM2 supporting, PP2 supporting, PP3 supporting

NM_001348323.3(TRIP12):c.1687T>C (p.Ser563Pro)

Gene: TRIP12 (thyroid hormone receptor interactor 12; minus strand). Cytogenetic location: 2q36.3.
Variant type: single nucleotide variant.
Coding change: c.1687T>C on transcript NM_001348323.3 (MANE Select); coding-DNA position 1687, T replaced by C.
Protein change: p.Ser563Pro; replaces serine 563 with proline.
Molecular consequence: missense variant.
Genome position (GRCh38, 1-based): chr2:229,815,143, A>G on the plus strand (T>C on the coding strand, the complement: TRIP12 is on the minus strand). VCF-style: chr2-229815143-A-G. GRCh37 (hg19) VCF-style: chr2-230679859-A-G.
Other names: c.1687T>C, p.Ser563Pro (NM_001284214.2, NM_001348315.2, NM_001348319.1 and 11 more transcripts); c.1561T>C, p.Ser521Pro (NM_001284215.2, NM_001348316.2, NM_001348317.1 and 2 more transcripts); c.652T>C, p.Ser218Pro (NM_001284216.2); c.1600T>C, p.Ser534Pro (NM_001348332.1); c.1543T>C, p.Ser515Pro (NM_004238.3); short protein forms S218P, S515P, S521P, S534P, S563P.
Identifiers: ClinVar variation 4076274 (VCV004076274.1).